The following is an entry in ClinVar:

ClinVar aggregate classification (germline): Uncertain significance (1 of 4 stars; one submission).

Conditions:
Early Myoclonic Encephalopathy. Identifiers: MedGen C0270855.

Submission:

Labcorp Genetics (formerly Invitae), Labcorp
Classification: Uncertain significance for Early Myoclonic Encephalopathy. Last evaluated: 2022-06-05. Review status: criteria provided, single submitter. Criteria: Invitae Variant Classification Sherloc (09022015). Collection method: clinical testing. Allele origin: germline.
Comment: ClinVar contains an entry for this variant (Variation ID: 1514912). In summary, the available evidence is currently insufficient to determine the role of this variant in disease. Therefore, it has been classified as a Variant of Uncertain Significance. Algorithms developed to predict the effect of missense changes on protein structure and function are either unavailable or do not agree on the potential impact of this missense change (SIFT: "Deleterious"; PolyPhen-2: "Probably Damaging"; Align-GVGD: "Class C0"). This variant has not been reported in the literature in individuals affected with JMJD1C-related conditions. This variant is not present in population databases (gnomAD no frequency). This sequence change replaces lysine, which is basic and polar, with glutamine, which is neutral and polar, at codon 1619 of the JMJD1C protein (p.Lys1619Gln).

NM_032776.3(JMJD1C):c.4855A>C (p.Lys1619Gln)

Gene: JMJD1C (jumonji domain containing 1C; minus strand). Cytogenetic location: 10q21.3.
Variant type: single nucleotide variant.
Coding change: c.4855A>C on transcript NM_032776.3 (MANE Select); coding-DNA position 4855, A replaced by C.
Protein change: p.Lys1619Gln; replaces lysine 1619 with glutamine.
Molecular consequence: missense variant. On other transcripts: non-coding transcript variant (1).
Genome position (GRCh38, 1-based): chr10:63,206,814, T>G on the plus strand (A>C on the coding strand, the complement: JMJD1C is on the minus strand). VCF-style: chr10-63206814-T-G. GRCh37 (hg19) VCF-style: chr10-64966574-T-G.
Other names: c.4309A>C, p.Lys1437Gln (NM_001282948.2, NM_001318154.2); c.3991A>C, p.Lys1331Gln (NM_001318153.2); c.4741A>C, p.Lys1581Gln (NM_001322252.2); c.4198A>C, p.Lys1400Gln (NM_001322254.2, NM_001322258.2); short protein forms K1400Q, K1619Q, K1437Q, K1331Q, K1581Q.
Identifiers: ClinVar variation 1514912 (VCV001514912.8), dbSNP rs2133142090, ClinGen allele CA377036184.